The following is an entry in ClinVar:

NM_004075.5(CRY1):c.1599G>A (p.Gly533=)

Gene: CRY1 (cryptochrome circadian regulator 1; minus strand). Cytogenetic location: 12q23.3.
Variant type: single nucleotide variant.
Coding change: c.1599G>A on transcript NM_004075.5 (MANE Select); coding-DNA position 1599, G replaced by A.
Protein change: p.Gly533=; no amino-acid change (glycine 533 retained).
Molecular consequence: synonymous variant. On other transcripts: non-coding transcript variant (2).
Genome position (GRCh38, 1-based): chr12:106,993,023, C>T on the plus strand (G>A on the coding strand, the complement: CRY1 is on the minus strand). VCF-style: chr12-106993023-C-T. GRCh37 (hg19) VCF-style: chr12-107386801-C-T.
Other names: c.1599G>A, p.Gly533= (NM_001413458.1, NM_001413459.1, NM_001413460.1 and 2 more transcripts); c.1593G>A, p.Gly531= (NM_001413463.1); c.1515G>A, p.Gly505= (NM_001413464.1, NM_001413465.1); c.1212G>A, p.Gly404= (NM_001413466.1); c.1122G>A, p.Gly374= (NM_001413467.1, NM_001413468.1, NM_001413469.1 and 1 more transcripts).
Identifiers: ClinVar variation 3035237 (VCV003035237.2), dbSNP rs142529546, ClinGen allele CA6764007.

ClinVar aggregate classification (germline): Likely benign (0 of 4 stars; one submission).

Conditions:
CRY1-related disorder. Also called: CRY1-related condition.

Allele frequency attached by ClinVar (database versions not stated): ESP Exome Variant Server 0.00015; TOPMed 0.00015; gnomAD 0.00017.
gnomAD v4.1: 537 of 1,613,842 alleles (0.033%); highest among the groups gnomAD compares: Non-Finnish European, 0.044%; no homozygotes.

Submission:

PreventionGenetics, part of Exact Sciences
Classification: Likely benign for CRY1-related condition. Last evaluated: 2019-12-06. Review status: no assertion criteria provided. Collection method: clinical testing. Allele origin: germline.
Comment: This variant is classified as likely benign based on ACMG/AMP sequence variant interpretation guidelines (Richards et al. 2015 PMID: 25741868, with internal and published modifications).